The following is an entry in ClinVar:

ClinVar aggregate classification (germline): Uncertain significance. Review status: criteria provided, multiple submitters, no conflicts (2 of 4 stars). 2 submissions from 2 submitters: Uncertain significance (2). Last evaluated 2024-08-07.

Conditions:
Hereditary cancer-predisposing syndrome. Also called: Neoplastic Syndromes, Hereditary; Tumor predisposition; Hereditary Cancer Syndrome; Hereditary neoplastic syndrome. Identifiers: Orphanet 140162, MedGen C0027672, MeSH D009386, MONDO:0015356.
Familial adenomatous polyposis 1 (FAP1). Also called: FAMILIAL ADENOMATOUS POLYPOSIS 1, ATTENUATED; POLYPOSIS, ADENOMATOUS INTESTINAL. Identifiers: MedGen C2713442, MONDO:0021056, OMIM 175100. Disease mechanism: loss of function.

Allele frequency attached by ClinVar (database versions not stated): gnomAD exomes below 0.00001; ExAC 0.00001.
gnomAD v4.1: 8 of 1,614,158 alleles (0.0005%); highest among the groups gnomAD compares: Non-Finnish European, 0.00068%; no homozygotes.

Submissions (2):

Labcorp Genetics (formerly Invitae), Labcorp
Classification: Uncertain significance for Familial adenomatous polyposis 1. Last evaluated: 2024-08-07. Review status: criteria provided, single submitter. Criteria: Invitae Variant Classification Sherloc (09022015). Collection method: clinical testing. Allele origin: germline.
Comment: This sequence change replaces aspartic acid, which is acidic and polar, with glutamic acid, which is acidic and polar, at codon 849 of the APC protein (p.Asp849Glu). This variant is present in population databases (rs766086010, gnomAD 0.0009%). This variant has not been reported in the literature in individuals affected with APC-related conditions. ClinVar contains an entry for this variant (Variation ID: 482290). Advanced modeling of protein sequence and biophysical properties (such as structural, functional, and spatial information, amino acid conservation, physicochemical variation, residue mobility, and thermodynamic stability) performed at Invitae indicates that this missense variant is not expected to disrupt APC protein function with a negative predictive value of 95%. In summary, the available evidence is currently insufficient to determine the role of this variant in disease. Therefore, it has been classified as a Variant of Uncertain Significance.

Ambry Genetics
Classification: Uncertain significance for Hereditary cancer-predisposing syndrome. Last evaluated: 2018-05-29. Review status: criteria provided, single submitter. Criteria: Ambry Variant Classification Scheme 2023. Collection method: clinical testing. Allele origin: germline.
Comment: The p.D849E variant (also known as c.2547T>G), located in coding exon 15 of the APC gene, results from a T to G substitution at nucleotide position 2547. The aspartic acid at codon 849 is replaced by glutamic acid, an amino acid with highly similar properties. This amino acid position is highly conserved in available vertebrate species. In addition, in silico predictors for this gene do not accurately predict pathogenicity. Since supporting evidence is limited at this time, the clinical significance of this alteration remains unclear.

NM_000038.6(APC):c.2547T>G (p.Asp849Glu)

Gene: APC (APC regulator of Wnt signaling pathway; plus strand). Cytogenetic location: 5q22.2.
Variant type: single nucleotide variant.
Coding change: c.2547T>G on transcript NM_000038.6 (MANE Select); coding-DNA position 2547, T replaced by G.
Protein change: p.Asp849Glu; replaces aspartic acid 849 with glutamic acid.
Molecular consequence: missense variant.
Genome position (GRCh38, 1-based): chr5:112,838,141, T>G. VCF-style: chr5-112838141-T-G. GRCh37 (hg19) VCF-style: chr5-112173838-T-G.
Other names: c.2547T>G, p.Asp849Glu (NM_001127510.3, NM_001354895.2); c.2493T>G, p.Asp831Glu (NM_001127511.3); c.2601T>G, p.Asp867Glu (NM_001354896.2); c.2577T>G, p.Asp859Glu (NM_001354897.2); c.2472T>G, p.Asp824Glu (NM_001354898.2); c.2463T>G, p.Asp821Glu (NM_001354899.2); c.2424T>G, p.Asp808Glu (NM_001354900.2); c.2370T>G, p.Asp790Glu (NM_001354901.2); and 5 more; short protein forms D849E, D831E, D566E, D758E, D723E, D790E, D821E, D859E.
Identifiers: ClinVar variation 482290 (VCV000482290.12), dbSNP rs766086010, ClinGen allele CA032485.